The following is an entry in ClinVar:

NM_000404.4(GLB1):c.734-2A>G

Gene: GLB1 (galactosidase beta 1; minus strand). Cytogenetic location: 3p22.3.
Variant type: single nucleotide variant.
Coding change: c.734-2A>G on transcript NM_000404.4 (MANE Select); the canonical splice acceptor site of the intron before coding-DNA position 734, A replaced by G.
Molecular consequence: splice acceptor variant.
Genome position (GRCh38, 1-based): chr3:33,053,551, T>C on the plus strand (A>G on the coding strand, the complement: GLB1 is on the minus strand). VCF-style: chr3-33053551-T-C. GRCh37 (hg19) VCF-style: chr3-33095043-T-C.
Other names: c.734-2A>G (NM_001393580.1); c.341-2A>G (NM_001135602.3); c.878-2A>G (NM_001317040.2); c.644-2A>G (NM_001079811.3).
Identifiers: ClinVar variation 946866 (VCV000946866.7), dbSNP rs1699088102, ClinGen allele CA352002974.

ClinVar aggregate classification (germline): Pathogenic (1 of 4 stars; one submission).

Conditions:
Mucopolysaccharidosis, MPS-IV-B (MPS4B). Also called: Mucopolysaccharidosis type IV B; Mucopolysaccharidosis Type IVB (Morquio B Disease); MORQUIO SYNDROME B; Mucopolysaccharidosis type 4B; Mucopolysaccharidosis Type IVB; Mucopolysaccharidosis type IVB (Morquio). Identifiers: Orphanet 309310, Orphanet 582, MedGen C0086652, MONDO:0009660, OMIM 253010.
GM1 gangliosidosis. Identifiers: Orphanet 354, MedGen C0085131, MONDO:0018149.

Submission:

Labcorp Genetics (formerly Invitae), Labcorp
Classification: Pathogenic for Mucopolysaccharidosis, MPS-IV-B; GM1 gangliosidosis. Last evaluated: 2024-02-24. Review status: criteria provided, single submitter. Criteria: Invitae Variant Classification Sherloc (09022015). Collection method: clinical testing. Allele origin: germline.
Comment: This sequence change affects an acceptor splice site in intron 6 of the GLB1 gene. It is expected to disrupt RNA splicing. Variants that disrupt the donor or acceptor splice site typically lead to a loss of protein function (PMID: 16199547), and loss-of-function variants in GLB1 are known to be pathogenic (PMID: 18524657). This variant is not present in population databases (gnomAD no frequency). Disruption of this splice site has been observed in individual(s) with GLB1-related conditions (Invitae). ClinVar contains an entry for this variant (Variation ID: 946866). Algorithms developed to predict the effect of sequence changes on RNA splicing suggest that this variant may disrupt the consensus splice site. For these reasons, this variant has been classified as Pathogenic.

Literature cited by the submitters: PubMed 16199547; PubMed 18524657.